The following is an entry in ClinVar:

NM_001868.4(CPA1):c.1199C>T (p.Ala400Val)

Gene: CPA1 (carboxypeptidase A1; plus strand). Cytogenetic location: 7q32.2.
Variant type: single nucleotide variant.
Coding change: c.1199C>T on transcript NM_001868.4 (MANE Select); coding-DNA position 1199, C replaced by T.
Protein change: p.Ala400Val; replaces alanine 400 with valine.
Molecular consequence: missense variant.
Genome position (GRCh38, 1-based): chr7:130,387,950, C>T. VCF-style: chr7-130387950-C-T. GRCh37 (hg19) VCF-style: chr7-130027791-C-T.
Other names: c.1199C>T (NM_001868.2); short protein forms A400V.
Identifiers: ClinVar variation 2173664 (VCV002173664.7), dbSNP rs1485412781, ClinGen allele CA369284488.

ClinVar aggregate classification (germline): Uncertain significance. Review status: criteria provided, multiple submitters, no conflicts (2 of 4 stars). 2 submissions from 2 submitters: Uncertain significance (2). Last evaluated 2025-10-29.

Conditions:
Hereditary pancreatitis (PCTT). Also called: PRSS1-Related Hereditary Pancreatitis; Hereditary chronic pancreatitis. Identifiers: Orphanet 676, MedGen C0238339, MONDO:0008185, OMIM 167800.

Allele frequency attached by ClinVar (database versions not stated): gnomAD exomes 0.00004.
gnomAD v4.1: 56 of 1,614,022 alleles (0.0035%); highest among the groups gnomAD compares: Non-Finnish European, 0.0047%; no homozygotes.

Submissions (2):

Ambry Genetics
Classification: Uncertain significance for Hereditary pancreatitis. Last evaluated: 2025-10-29. Review status: criteria provided, single submitter. Criteria: Ambry Variant Classification Scheme 2023. Collection method: clinical testing. Allele origin: germline.
Comment: The p.A400V variant (also known as c.1199C>T), located in coding exon 10 of the CPA1 gene, results from a C to T substitution at nucleotide position 1199. The alanine at codon 400 is replaced by valine, an amino acid with similar properties. This amino acid position is highly conserved in available vertebrate species. In addition, the in silico prediction for this alteration is inconclusive. Based on the available evidence, the clinical significance of this variant remains unclear.

Labcorp Genetics (formerly Invitae), Labcorp
Classification: Uncertain significance. Last evaluated: 2022-01-10. Review status: criteria provided, single submitter. Criteria: Invitae Variant Classification Sherloc (09022015). Collection method: clinical testing. Allele origin: germline.
Comment: This variant has not been reported in the literature in individuals affected with CPA1-related conditions. This sequence change replaces alanine, which is neutral and non-polar, with valine, which is neutral and non-polar, at codon 400 of the CPA1 protein (p.Ala400Val). This variant is present in population databases (no rsID available, gnomAD 0.002%). Algorithms developed to predict the effect of missense changes on protein structure and function are either unavailable or do not agree on the potential impact of this missense change (SIFT: "Deleterious"; PolyPhen-2: "Probably Damaging"; Align-GVGD: "Class C15"). In summary, the available evidence is currently insufficient to determine the role of this variant in disease. Therefore, it has been classified as a Variant of Uncertain Significance.